The following is an entry in ClinVar:

ClinVar aggregate classification (germline): Likely pathogenic (1 of 4 stars; one submission).

Submission:

Dasa
Classification: Likely pathogenic. Last evaluated: 2025-08-26. Review status: criteria provided, single submitter. Criteria: DASA Assertion Criteria. Collection method: clinical testing. Allele origin: germline.
Comment: NM_000088.4(COL1A1):c.4386C>A (p.Cys1462*) is a nonsense variant in COL1A1 predicted to introduce a premature termination codon and is predicted to result in an absent or altered protein product. Loss of function is an established disease mechanism for COL1A1 (PMID: 9067755; PMID: 9016532). Also, this variant is absent from population databases. Based on the currently available evidence, this variant is classified as likely pathogenic.

Literature cited by the submitters: PubMed 9067755; PubMed 9016532.

NM_000088.4(COL1A1):c.4386C>A (p.Cys1462Ter)

Gene: COL1A1 (collagen type I alpha 1 chain; minus strand). Cytogenetic location: 17q21.33.
Variant type: single nucleotide variant.
Coding change: c.4386C>A on transcript NM_000088.4 (MANE Select); coding-DNA position 4386, C replaced by A.
Protein change: p.Cys1462Ter; replaces cysteine 1462 with a stop codon.
Molecular consequence: nonsense.
Genome position (GRCh38, 1-based): chr17:50,185,511, G>T on the plus strand (C>A on the coding strand, the complement: COL1A1 is on the minus strand). VCF-style: chr17-50185511-G-T. GRCh37 (hg19) VCF-style: chr17-48262872-G-T.
Other names: short protein forms C1462*.
Identifiers: ClinVar variation 4852621 (VCV004852621.2).
Genomic context (GRCh38, chr17:50,185,511, plus strand): 5'-TGGGGGGAAAGTTGGTTGGGTGGGAGGGAGCCAGGTTGGGATGGAGGGAGTTTACAGGAA[G>T]CAGACAGGGCCAACGTCGAAGCCGAATTCCTGGTCTGGGGCACCAACGTCCAAGGGGGCC-3'